The following is an entry in ClinVar:

NM_000264.5(PTCH1):c.3320C>T (p.Ala1107Val)

Gene: PTCH1 (patched 1; minus strand). Cytogenetic location: 9q22.32.
Variant type: single nucleotide variant.
Coding change: c.3320C>T on transcript NM_000264.5 (MANE Select); coding-DNA position 3320, C replaced by T.
Protein change: p.Ala1107Val; replaces alanine 1107 with valine.
Molecular consequence: missense variant. On other transcripts: non-coding transcript variant (1).
Genome position (GRCh38, 1-based): chr9:95,453,607, G>A on the plus strand (C>T on the coding strand, the complement: PTCH1 is on the minus strand). VCF-style: chr9-95453607-G-A. GRCh37 (hg19) VCF-style: chr9-98215889-G-A.
Other names: c.3122C>T, p.Ala1041Val (NM_001083602.3); c.3317C>T, p.Ala1106Val (NM_001083603.3); c.2867C>T, p.Ala956Val (NM_001083604.3, NM_001083605.3, NM_001083606.3 and 1 more transcripts); c.3164C>T, p.Ala1055Val (NM_001354918.2); short protein forms A956V, A1041V, A1055V, A1106V, A1107V.
Identifiers: ClinVar variation 3939959 (VCV003939959.1).

ClinVar aggregate classification (germline): Uncertain significance (1 of 4 stars; one submission).

Conditions:
Hereditary cancer-predisposing syndrome. Also called: Tumor predisposition; Hereditary neoplastic syndrome; Hereditary Cancer Syndrome; Neoplastic Syndromes, Hereditary. Identifiers: Orphanet 140162, MedGen C0027672, MeSH D009386, MONDO:0015356.

Submission:

Ambry Genetics
Classification: Uncertain significance for Hereditary cancer-predisposing syndrome. Last evaluated: 2025-05-01. Review status: criteria provided, single submitter. Criteria: Ambry Variant Classification Scheme 2023. Collection method: clinical testing. Allele origin: germline.
Comment: The p.A1107V variant (also known as c.3320C>T), located in coding exon 20 of the PTCH1 gene, results from a C to T substitution at nucleotide position 3320. The alanine at codon 1107 is replaced by valine, an amino acid with similar properties. This amino acid position is conserved. In addition, this alteration is predicted to be deleterious by in silico analysis. Based on the available evidence, the clinical significance of this variant remains unclear.